The following is an entry in ClinVar:

NM_001349338.3(FOXP1):c.1653-3C>G

Gene: FOXP1 (forkhead box P1; minus strand). Cytogenetic location: 3p13.
Variant type: single nucleotide variant.
Coding change: c.1653-3C>G on transcript NM_001349338.3 (MANE Select); 3 bases into the intron before coding-DNA position 1653, C replaced by G.
Molecular consequence: intron variant.
Genome position (GRCh38, 1-based): chr3:70,970,808, G>C on the plus strand (C>G on the coding strand, the complement: FOXP1 is on the minus strand). VCF-style: chr3-70970808-G-C. GRCh37 (hg19) VCF-style: chr3-71019959-G-C.
Other names: c.1701-3C>G (NM_001244810.2); c.1653-3C>G (NM_032682.6, NM_001349340.3, NM_001244816.2 and 1 more transcripts); c.1650-3C>G (NM_001349341.3, NM_001244808.3); c.1425-3C>G (NM_001244812.3); c.1350-3C>G (NM_001349343.3, NM_001349337.2, NM_001370548.1 and 1 more transcripts); c.1353-3C>G (NM_001349342.3, NM_001244815.2, NM_001244813.3).
Identifiers: ClinVar variation 1328821 (VCV001328821.2), dbSNP rs1332032295, ClinGen allele CA2573052237.

ClinVar aggregate classification (germline): Uncertain significance (1 of 4 stars; one submission).

Submission:

GeneDx
Classification: Uncertain significance. Last evaluated: 2021-12-06. Review status: criteria provided, single submitter. Criteria: GeneDx Variant Classification Process June 2021. Collection method: clinical testing. Allele origin: germline. Affected: yes.
Comment: Has not been previously published as pathogenic or benign to our knowledge; Not observed in large population cohorts (Lek et al., 2016); In silico analysis supports a deleterious effect on splicing